The following is an entry in ClinVar:

NM_004039.3(ANXA2):c.292G>T (p.Val98Leu)

Gene: ANXA2 (annexin A2; minus strand). Cytogenetic location: 15q22.2.
Variant type: single nucleotide variant.
Coding change: c.292G>T on transcript NM_004039.3 (MANE Select); coding-DNA position 292, G replaced by T.
Protein change: p.Val98Leu; replaces valine 98 with leucine.
Molecular consequence: missense variant.
Genome position (GRCh38, 1-based): chr15:60,361,006, C>A on the plus strand (G>T on the coding strand, the complement: ANXA2 is on the minus strand). VCF-style: chr15-60361006-C-A. GRCh37 (hg19) VCF-style: chr15-60653205-C-A.
Other names: c.292G>T, p.Val98Leu (NM_001002857.2, NM_001136015.3); c.346G>T, p.Val116Leu (NM_001002858.3); short protein forms V116L, V98L.
Identifiers: ClinVar variation 1238049 (VCV001238049.4), dbSNP rs17845226, ClinGen allele CA7592402.

ClinVar aggregate classification (germline): Benign. Review status: criteria provided, multiple submitters, no conflicts (2 of 4 stars). 2 submissions from 2 submitters: Benign (2). Last evaluated 2021-02-23.

Allele frequency attached by ClinVar (database versions not stated): 1000 Genomes Project 0.04852; 1000 Genomes Project 30x 0.05044; TOPMed 0.08176; gnomAD 0.08587 and 0.08674; gnomAD exomes 0.09192 and 0.11901; ExAC 0.09379; ESP Exome Variant Server 0.09608.

Submissions (2):

GeneDx
Classification: Benign. Last evaluated: 2021-02-23. Review status: criteria provided, single submitter. Criteria: GeneDx Variant Classification Process June 2021. Collection method: clinical testing. Allele origin: germline. Affected: yes.
Comment: This variant is associated with the following publications: (PMID: 28456096)

Breakthrough Genomics
Classification: Benign. Review status: criteria provided, single submitter. Criteria: ACMG Guidelines, 2015. Collection method: not provided. Allele origin: germline. Inheritance: Unknown mechanism. Affected: yes.